The following is an entry in ClinVar:

ClinVar aggregate classification (germline): Conflicting classifications of pathogenicity. Review status: criteria provided, conflicting classifications (1 of 4 stars). 11 submissions from 11 submitters: Uncertain significance (4); Benign (1); Likely benign (3). 3 of the submissions do not count toward it. Last evaluated 2026-06-12.

Conditions:
PDGFRA-related disorder. Also called: PDGFRA-related condition.
Polyps, multiple and recurrent inflammatory fibroid, gastrointestinal. Identifiers: MedGen C5193005, MONDO:0008285, OMIM 175510.
Gastrointestinal stromal tumor. Also called: Gastrointestinal stromal tumor, somatic; Gastrointestinal stroma tumor. Identifiers: Orphanet 44890, MedGen C0238198, MeSH D046152, MONDO:0011719, OMIM 606764, HP:0100723.
Idiopathic hypereosinophilic syndrome (HES). Identifiers: Orphanet 3260, MedGen C0206141, MONDO:0011895, OMIM 607685. Disease mechanism: gain of function.
Hereditary cancer-predisposing syndrome. Also called: Tumor predisposition; Neoplastic Syndromes, Hereditary; Hereditary neoplastic syndrome; Hereditary Cancer Syndrome. Identifiers: Orphanet 140162, MedGen C0027672, MeSH D009386, MONDO:0015356.

Allele frequency attached by ClinVar (database versions not stated): gnomAD exomes 0.00099 and 0.00047; 1000 Genomes Project 0.00100; TOPMed 0.00074; ESP Exome Variant Server 0.00077; 1000 Genomes Project 30x 0.00094; ExAC 0.00042; gnomAD 0.00064.
gnomAD v4.1: 1,523 of 1,614,070 alleles (0.094%); highest among the groups gnomAD compares: Non-Finnish European, 0.12%; 1 homozygote.

Submissions (11):

Myriad Genetics, Inc.
Classification: Likely benign for Polyps, multiple and recurrent inflammatory fibroid, gastrointestinal. Last evaluated: 2026-06-12. Review status: criteria provided, single submitter. Criteria: Myriad Autosomal Dominant, Autosomal Recessive and X-Linked Classification Criteria (2023). Collection method: clinical testing. Allele origin: unknown.
Comment: This variant is considered likely benign. This variant has been observed at a population frequency that is significantly greater than expected given the associated disease prevalence and penetrance.

Labcorp Genetics (formerly Invitae), Labcorp
Classification: Likely benign for Gastrointestinal stromal tumor. Last evaluated: 2026-02-04. Review status: criteria provided, single submitter. Criteria: Invitae Variant Classification Sherloc (09022015). Collection method: clinical testing. Allele origin: germline.

Ambry Genetics
Classification: Benign for Hereditary cancer-predisposing syndrome. Last evaluated: 2024-08-20. Review status: criteria provided, single submitter. Criteria: Ambry Variant Classification Scheme 2023. Collection method: clinical testing. Allele origin: germline.

Blueprint Genetics
Classification: Likely benign. Last evaluated: 2024-07-23. Review status: criteria provided, single submitter. Criteria: ACMG Guidelines, 2015. Collection method: clinical testing. Allele origin: germline.

Revvity Omics, Revvity
Classification: Uncertain significance for Idiopathic hypereosinophilic syndrome. Last evaluated: 2023-06-09. Review status: criteria provided, single submitter. Criteria: ACMG Guidelines, 2015. Collection method: clinical testing. Allele origin: germline.

Institute for Clinical Genetics, University Hospital TU Dresden, University Hospital TU Dresden
Classification: Uncertain significance. Last evaluated: 2021-11-03. Review status: criteria provided, single submitter. Criteria: ACMG Guidelines, 2015. Collection method: clinical testing. Allele origin: germline.

Sema4
Classification: Uncertain significance for Hereditary cancer-predisposing syndrome. Last evaluated: 2021-04-22. Review status: criteria provided, single submitter. Criteria: Sema4 Curation Guidelines. Collection method: curation. Allele origin: germline.
Comment: To the best of our knowledge, the PDGFRA c.1325T>C (p.L442P) variant has not been reported in individuals with PDGFRA-related disease. This variant was observed in 102/129022 chromosomes in the Non-Finnish European population, with no homozygotes, according to the Genome Aggregation Database (PMID: 27535533). The variant has been reported in ClinVar (Variation ID 41793). In silico tools suggest the impact of the variant on protein function is inconclusive, though these predictions have not been confirmed by functional studies.Based on the current evidence available, this variant is interpreted as a variant of uncertain significance.

Fulgent Genetics
Classification: Uncertain significance for Gastrointestinal stromal tumor; Idiopathic hypereosinophilic syndrome. Last evaluated: 2018-10-31. Review status: criteria provided, single submitter. Criteria: ACMG Guidelines, 2015. Collection method: clinical testing. Allele origin: unknown.

PreventionGenetics, part of Exact Sciences
Classification: Likely benign for PDGFRA-related condition. Last evaluated: 2024-03-13. Review status: no assertion criteria provided. Collection method: clinical testing. Allele origin: germline. Not counted in ClinVar's aggregate classification.
Comment: This variant is classified as likely benign based on ACMG/AMP sequence variant interpretation guidelines (Richards et al. 2015 PMID: 25741868, with internal and published modifications).

Biesecker Lab/Clinical Genomics Section, National Institutes of Health
Classification: Uncertain significance. Last evaluated: 2012-07-13. Review status: no assertion criteria provided. Collection method: research. Allele origin: germline. Affected: no. Observed: 2 variant alleles. Study: ClinSeq. Not counted in ClinVar's aggregate classification.
ClinVar note: Converted during submission from variant of unknown significance to Uncertain significance.

Department of Pathology and Laboratory Medicine, Sinai Health System
Classification: Uncertain significance. Review status: no assertion criteria provided. Collection method: clinical testing. Allele origin: unknown. Affected: yes. Study: The Canadian Open Genetics Repository (COGR). Not counted in ClinVar's aggregate classification.
Comment: The PDGFRA p.Leu455Pro variant was not identified in the literature but was identified in dbSNP (ID: rs139236922) and ClinVar (classified as uncertain significance by Fulgent Genetics, Ambry Genetics and Biesecker Lab/Clinical Genomics Section, National Institutes of Health, and as likely benign by Invitae). The variant was identified in control databases in 133 of 268128 chromosomes at a frequency of 0.000496 increasing the likelihood this could be a low frequency benign variant (Genome Aggregation Database March 6, 2019, v2.1.1, non-cancer). The variant was observed in the following populations: European (non-Finnish) in 97 of 118008 chromosomes (freq: 0.000822), Latino in 18 of 35102 chromosomes (freq: 0.000513), Other in 3 of 6694 chromosomes (freq: 0.000448), South Asian in 11 of 30526 chromosomes (freq: 0.00036), African in 3 of 23608 chromosomes (freq: 0.000127) and European (Finnish) in 1 of 25092 chromosomes (freq: 0.00004), but was not observed in the Ashkenazi Jewish or East Asian populations. The p.Leu455 residue is conserved in mammals but not in more distantly related organisms and computational analyses (PolyPhen-2, SIFT, AlignGVGD, BLOSUM, MutationTaster) provide inconsistent predictions regarding the impact to the protein; this is not very predictive of pathogenicity. The variant occurs outside of the splicing consensus sequence and in silico or computational prediction software programs (SpliceSiteFinder, MaxEntScan, NNSPLICE, GeneSplicer) do not predict a difference in splicing. In summary, based on the above information the clinical significance of this variant cannot be determined with certainty at this time. This variant is classified as a variant of uncertain significance.

NM_006206.6(PDGFRA):c.1325T>C (p.Leu442Pro)

Gene: PDGFRA (platelet derived growth factor receptor alpha; plus strand). Cytogenetic location: 4q12.
Variant type: single nucleotide variant.
Coding change: c.1325T>C on transcript NM_006206.6 (MANE Select); coding-DNA position 1325, T replaced by C.
Protein change: p.Leu442Pro; replaces leucine 442 with proline.
Molecular consequence: missense variant.
Genome position (GRCh38, 1-based): chr4:54,272,481, T>C. VCF-style: chr4-54272481-T-C. GRCh37 (hg19) VCF-style: chr4-55138648-T-C.
Other names: c.1325T>C (NM_006206.5); c.1325T>C, p.Leu442Pro (NM_001347827.2, NM_001347829.2); c.1400T>C, p.Leu467Pro (NM_001347828.2); c.1364T>C, p.Leu455Pro (NM_001347830.2); short protein forms L442P, L455P, L467P.
Identifiers: ClinVar variation 41793 (VCV000041793.30), dbSNP rs139236922, ClinGen allele CA215858.
Genomic context (GRCh38, chr4:54,272,481, plus strand): 5'-ATGATCACCATGGCTCAACTGGGGGACAGACGGTGAGGTGCACAGCTGAAGGCACGCCGC[T>C]TCCTGATATTGAGTGGATGATATGCAAAGATATTAAGAAGTATGGAAAACAGATGTGTCT-3'
Protein context (NP_006197.1, residues 432-452): TVRCTAEGTP[Leu442Pro]PDIEWMICKD